The following is an entry in ClinVar:

NM_080552.3(SLC32A1):c.1112C>T (p.Thr371Met)

Gene: SLC32A1 (solute carrier family 32 member 1; plus strand). Cytogenetic location: 20q11.23.
Variant type: single nucleotide variant.
Coding change: c.1112C>T on transcript NM_080552.3 (MANE Select); coding-DNA position 1112, C replaced by T.
Protein change: p.Thr371Met; replaces threonine 371 with methionine.
Molecular consequence: missense variant.
Genome position (GRCh38, 1-based): chr20:38,728,173, C>T. VCF-style: chr20-38728173-C-T. GRCh37 (hg19) VCF-style: chr20-37356816-C-T.
Other names: short protein forms T371M.
Identifiers: ClinVar variation 4883736 (VCV004883736.2).

ClinVar aggregate classification (germline): Uncertain significance (1 of 4 stars; one submission).

Submission:

Dasa
Classification: Uncertain significance. Last evaluated: 2024-11-08. Review status: criteria provided, single submitter. Criteria: DASA Assertion Criteria. Collection method: clinical testing. Allele origin: germline.
Comment: NM_080552.3(SLC32A1):c.1112C>T (p.Thr371Met) is a missense variant that results in the substitution of threonine with methionine. This variant is absent from population databases. The currently available literature and clinical evidence are not sufficient to establish a definitive association between this variant and the reported condition. Therefore, this variant is classified as a variant of uncertain significance.